The following is an entry in ClinVar:

ClinVar aggregate classification (germline): Pathogenic. Review status: criteria provided, single submitter (1 of 4 stars). 2 submissions from 1 submitter: Pathogenic (2). Last evaluated 2022-07-19.

Conditions:
Arrhythmogenic right ventricular dysplasia 8 (ARVD8). Also called: Arrhythmogenic Right Ventricular Dysplasia/Cardiomyopathy 8; ARRHYTHMOGENIC RIGHT VENTRICULAR DYSPLASIA, FAMILIAL, 8; ARRHYTHMOGENIC RIGHT VENTRICULAR CARDIOMYOPATHY 8. Identifiers: MedGen C1843896, MONDO:0011831, OMIM 607450.
Arrhythmogenic cardiomyopathy with wooly hair and keratoderma. Also called: Dilated cardiomyopathy with woolly hair and keratoderma; Arrhythmogenic cardiomyopathy with woolly hair and keratoderma; PALMOPLANTAR KERATODERMA WITH LEFT VENTRICULAR CARDIOMYOPATHY AND WOOLLY HAIR; Carvajal syndrome. Identifiers: Orphanet 65282, MedGen C1854063, MONDO:0011581, OMIM 605676.

Submissions (2):

Labcorp Genetics (formerly Invitae), Labcorp
Classification: Pathogenic for Arrhythmogenic cardiomyopathy with wooly hair and keratoderma; Arrhythmogenic right ventricular dysplasia 8. Last evaluated: 2022-07-19. Review status: criteria provided, single submitter. Criteria: Invitae Variant Classification Sherloc (09022015). Collection method: clinical testing. Allele origin: germline.
Comment: This sequence change creates a premature translational stop signal (p.Phe1016Leufs*5) in the DSP gene. It is expected to result in an absent or disrupted protein product. Loss-of-function variants in DSP are known to be pathogenic (PMID: 20716751, 24503780, 25227139). This variant is not present in population databases (gnomAD no frequency). For these reasons, this variant has been classified as Pathogenic. Algorithms developed to predict the effect of sequence changes on RNA splicing suggest that this variant may create or strengthen a splice site. ClinVar contains an entry for this variant (Variation ID: 464960). This variant has not been reported in the literature in individuals affected with DSP-related conditions.

Labcorp Genetics (formerly Invitae), Labcorp
Classification: Pathogenic for Arrhythmogenic right ventricular dysplasia 8. Last evaluated: 2017-05-22. Review status: criteria provided, single submitter. Criteria: Invitae Variant Classification Sherloc (09022015). Collection method: clinical testing. Allele origin: germline.
Comment: This sequence change inserts 4 nucleotides in exon 22 of the DSP mRNA (c.3044_3047dupGGTT), causing a frameshift at codon 1016. This creates a premature translational stop signal (p.Phe1016Leufs*5) and is expected to result in an absent or disrupted protein product. While this particular variant has not been reported in the literature, loss-of-function variants in DSP are known to be pathogenic (PMID: 16061754, 20716751, 24503780). For these reasons, this variant has been classified as Pathogenic.

Literature cited by the submitters: PubMed 20716751; PubMed 24503780; PubMed 25227139.

NM_004415.4(DSP):c.3044_3047dup (p.Phe1016fs)

Gene: DSP (desmoplakin; plus strand). Cytogenetic location: 6p24.3.
Variant type: Duplication.
Coding change: c.3044_3047dup on transcript NM_004415.4 (MANE Select); coding-DNA positions 3044 to 3047, 4 bases duplicated (GGTT; older notation c.3044_3047dupGGTT).
Protein change: p.Phe1016fs; shifts the reading frame from phenylalanine 1016.
Molecular consequence: frameshift variant.
Genome position (GRCh38, 1-based): chr6:7,578,522-7,578,525, GGTT duplicated. VCF-style (leftmost placement, unchanged base first): chr6-7578521-A-AGGTT. GRCh37 (hg19) VCF-style: chr6-7578754-A-AGGTT.
Other names: c.3044_3047dup (LRG_423t1); c.3044_3047dupGGTT (NM_004415.2); c.3044_3047dup, p.Phe1016fs (NM_001008844.3, NM_001319034.2); short protein forms F1016fs.
Identifiers: ClinVar variation 464960 (VCV000464960.8), dbSNP rs1554107916, ClinGen allele CA658655945.
Genomic context (GRCh38, chr6:7,578,521, plus strand): 5'-AAGGCTGCAGATGTTCATGCTCGGTACATTGAACTACTTACAAGATCTGGAGACTATTAC[A>AGGTT]GGTTCTTAAGTGAGATGCTGAAGAGTTTGGAAGATCTGAAGGTAATTTATACTGTCTTTT-3'